The following is an entry in ClinVar:

ClinVar aggregate classification (germline): Uncertain significance (1 of 4 stars; one submission).

Submission:

GeneDx
Classification: Uncertain significance. Last evaluated: 2026-04-09. Review status: criteria provided, single submitter. Criteria: GeneDx Variant Classification Process June 2021. Collection method: clinical testing. Allele origin: germline.
Comment: Not observed at significant frequency in large population cohorts (gnomAD); In silico analysis suggests that this missense variant does not alter protein structure/function; Has not been previously published as pathogenic or benign to our knowledge

NM_005219.5(DIAPH1):c.3716A>G (p.Lys1239Arg)

Gene: DIAPH1 (diaphanous related formin 1; minus strand). Cytogenetic location: 5q31.3.
Variant type: single nucleotide variant.
Coding change: c.3716A>G on transcript NM_005219.5 (MANE Select); coding-DNA position 3716, A replaced by G.
Protein change: p.Lys1239Arg; replaces lysine 1239 with arginine.
Molecular consequence: missense variant. On other transcripts: 3 prime UTR variant (1).
Genome position (GRCh38, 1-based): chr5:141,516,954, T>C on the plus strand (A>G on the coding strand, the complement: DIAPH1 is on the minus strand). VCF-style: chr5-141516954-T-C. GRCh37 (hg19) VCF-style: chr5-140896521-T-C.
Other names: c.3689A>G, p.Lys1230Arg (NM_001079812.3); c.*16A>G (NM_001314007.2); short protein forms K1230R, K1239R.
Identifiers: ClinVar variation 5018241 (VCV005018241.1).